The following is an entry in ClinVar:

NM_000180.4(GUCY2D):c.1774G>A (p.Val592Met)

Gene: GUCY2D (guanylate cyclase 2D, retinal; plus strand). Cytogenetic location: 17p13.1.
Variant type: single nucleotide variant.
Coding change: c.1774G>A on transcript NM_000180.4 (MANE Select); coding-DNA position 1774, G replaced by A.
Protein change: p.Val592Met; replaces valine 592 with methionine.
Molecular consequence: missense variant.
Genome position (GRCh38, 1-based): chr17:8,012,168, G>A. VCF-style: chr17-8012168-G-A. GRCh37 (hg19) VCF-style: chr17-7915486-G-A.
Other names: c.1774G>A (NM_000180.3); short protein forms V592M.
Identifiers: ClinVar variation 1056685 (VCV001056685.7), dbSNP rs373362030, ClinGen allele CA397951245.

ClinVar aggregate classification (germline): Uncertain significance. Review status: criteria provided, multiple submitters, no conflicts (2 of 4 stars). 2 submissions from 2 submitters: Uncertain significance (2). Last evaluated 2026-03-27.

Conditions:
Inborn genetic diseases. Identifiers: MedGen C0950123, MeSH D030342.
Cone-rod dystrophy 6 (CORD6). Also called: RETINAL CONE DYSTROPHY 2; Cone dystrophy progressive. Identifiers: Orphanet 1872, MedGen C1866293, MONDO:0011143, OMIM 601777.
Leber congenital amaurosis 1 (LCA1). Also called: AMAUROSIS CONGENITA OF LEBER I; RETINAL BLINDNESS, CONGENITAL; Congenital absence of the rods and cones; Leber's congenital tapetoretinal degeneration; Leber's congenital tapetoretinal dysplasia. Identifiers: Orphanet 65, MedGen C2931258, MONDO:0008764, OMIM 204000.

gnomAD v4.1: 4 of 1,613,852 alleles (0.00025%); highest among the groups gnomAD compares: East Asian, 0.0022%; no homozygotes.

Submissions (2):

Ambry Genetics
Classification: Uncertain significance for Inborn genetic diseases. Last evaluated: 2026-03-27. Review status: criteria provided, single submitter. Criteria: Ambry Variant Classification Scheme 2023. Collection method: clinical testing. Allele origin: germline.

Labcorp Genetics (formerly Invitae), Labcorp
Classification: Uncertain significance for Leber congenital amaurosis 1; Cone-rod dystrophy 6. Last evaluated: 2021-08-27. Review status: criteria provided, single submitter. Criteria: Invitae Variant Classification Sherloc (09022015). Collection method: clinical testing. Allele origin: germline.
Comment: This sequence change replaces valine with methionine at codon 592 of the GUCY2D protein (p.Val592Met). The valine residue is highly conserved and there is a small physicochemical difference between valine and methionine. This variant is not present in population databases (ExAC no frequency). This variant has not been reported in the literature in individuals affected with GUCY2D-related conditions. Algorithms developed to predict the effect of missense changes on protein structure and function are either unavailable or do not agree on the potential impact of this missense change (SIFT: "Deleterious"; PolyPhen-2: "Probably Damaging"; Align-GVGD: "Class C15"). In summary, the available evidence is currently insufficient to determine the role of this variant in disease. Therefore, it has been classified as a Variant of Uncertain Significance.